The following is an entry in ClinVar:

NM_001372043.1(PCSK5):c.4103A>C (p.Glu1368Ala)

Gene: PCSK5 (proprotein convertase subtilisin/kexin type 5; plus strand). Cytogenetic location: 9q21.13.
Variant type: single nucleotide variant.
Coding change: c.4103A>C on transcript NM_001372043.1 (MANE Select); coding-DNA position 4103, A replaced by C.
Protein change: p.Glu1368Ala; replaces glutamic acid 1368 with alanine.
Molecular consequence: missense variant.
Genome position (GRCh38, 1-based): chr9:76,323,052, A>C. VCF-style: chr9-76323052-A-C. GRCh37 (hg19) VCF-style: chr9-78937968-A-C.
Other names: c.4022A>C, p.Glu1341Ala (NM_001190482.2); short protein forms E1341A, E1368A.
Identifiers: ClinVar variation 3045740 (VCV003045740.2), dbSNP rs375843412, ClinGen allele CA5087792.

ClinVar aggregate classification (germline): Likely benign (0 of 4 stars; one submission).

Conditions:
PCSK5-related disorder. Also called: PCSK5-related condition.

Allele frequency attached by ClinVar (database versions not stated): gnomAD exomes 0.00006; ExAC 0.00027; ESP Exome Variant Server 0.00035; gnomAD 0.00060; 1000 Genomes Project 30x 0.00062; TOPMed 0.00075; 1000 Genomes Project 0.00080.
gnomAD v4.1: 179 of 1,565,952 alleles (0.011%); highest among the groups gnomAD compares: African/African-American, 0.21%; 1 homozygote.

Submission:

PreventionGenetics, part of Exact Sciences
Classification: Likely benign for PCSK5-related condition. Last evaluated: 2023-04-26. Review status: no assertion criteria provided. Collection method: clinical testing. Allele origin: germline.
Comment: This variant is classified as likely benign based on ACMG/AMP sequence variant interpretation guidelines (Richards et al. 2015 PMID: 25741868, with internal and published modifications).